The following is an entry in ClinVar:

ClinVar aggregate classification (germline): Likely benign (1 of 4 stars; one submission).

Conditions:
KIDINS220-related disorder. Also called: KIDINS220-related condition.

Submission:

PreventionGenetics, part of Exact Sciences
Classification: Likely benign for KIDINS220-related condition. Last evaluated: 2025-01-08. Review status: criteria provided, single submitter. Criteria: ACMG Guidelines, 2015. Collection method: clinical testing. Allele origin: germline.
Comment: This variant is classified as likely benign based on ACMG/AMP sequence variant interpretation guidelines (Richards et al. 2015 PMID: 25741868, with internal and published modifications).

NM_020738.4(KIDINS220):c.4054-5C>T

Gene: KIDINS220 (kinase D interacting substrate 220; minus strand). Cytogenetic location: 2p25.1.
Variant type: single nucleotide variant.
Coding change: c.4054-5C>T on transcript NM_020738.4 (MANE Select); 5 bases into the intron before coding-DNA position 4054, C replaced by T.
Molecular consequence: intron variant.
Genome position (GRCh38, 1-based): chr2:8,731,987, G>A on the plus strand (C>T on the coding strand, the complement: KIDINS220 is on the minus strand). VCF-style: chr2-8731987-G-A. GRCh37 (hg19) VCF-style: chr2-8872117-G-A.
Other names: c.3882+1457C>T (NM_001348741.2, NM_001348742.2, NM_001348743.2); c.3996+1457C>T (NM_001348738.2); c.3885+1457C>T (NM_001348739.2, NM_001348740.2); c.3883-5C>T (NM_001348735.2); c.3997-5C>T (NM_001348732.2); c.3886-5C>T (NM_001348734.2); c.4000-5C>T (NM_001348731.2); c.4057-5C>T (NM_001348729.2); and 1 more.
Identifiers: ClinVar variation 5001479 (VCV005001479.1).
Genomic context (GRCh38, chr2:8,731,987, plus strand): 5'-ATACTGGAATCCTGGGAATTGAGACTCGAAAGACTTGGGGTTCTGCGAGTTTGTGACTGT[G>A]AAGACAGAAAAAAAATAATTTAAAAATTCAAATAAGAAGAAAAAAGGCATAAACATCAGC-3'